The following is an entry in ClinVar:

ClinVar aggregate classification (germline): Uncertain significance (1 of 4 stars; one submission).

gnomAD v4.1: 14 of 1,609,062 alleles (0.00087%); highest among the groups gnomAD compares: African/African-American, 0.0013%; no homozygotes.

Submission:

Women's Health and Genetics/Laboratory Corporation of America, LabCorp
Classification: Uncertain significance. Last evaluated: 2024-05-31. Review status: criteria provided, single submitter. Criteria: LabCorp Variant Classification Summary - May 2015. Collection method: clinical testing. Allele origin: germline.
Comment: Variant summary: TCTN3 c.494A>G (p.Asn165Ser) results in a conservative amino acid change located in the Tectonic domain (IPR011677) of the encoded protein sequence. Three of five in-silico tools predict a benign effect of the variant on protein function. The variant allele was found at a frequency of 1.2e-05 in 251400 control chromosomes, predominantly at a frequency of 2.6e-05 within the Non-Finnish European subpopulation in the gnomAD database. The available data on variant occurrences in the general population are insufficient to allow any conclusion about variant significance. To our knowledge, no occurrence of c.494A>G in individuals affected with Joubert Syndrome And Related Disorders and no experimental evidence demonstrating its impact on protein function have been reported. No submitters have cited clinical-significance assessments for this variant to ClinVar. Based on the evidence outlined above, the variant was classified as uncertain significance.

NM_015631.6(TCTN3):c.494A>G (p.Asn165Ser)

Gene: TCTN3 (tectonic family member 3; minus strand). Cytogenetic location: 10q24.1.
Variant type: single nucleotide variant.
Coding change: c.494A>G on transcript NM_015631.6 (MANE Select); coding-DNA position 494, A replaced by G.
Protein change: p.Asn165Ser; replaces asparagine 165 with serine.
Molecular consequence: missense variant.
Genome position (GRCh38, 1-based): chr10:95,692,925, T>C on the plus strand (A>G on the coding strand, the complement: TCTN3 is on the minus strand). VCF-style: chr10-95692925-T-C. GRCh37 (hg19) VCF-style: chr10-97452682-T-C.
Other names: c.494A>G, p.Asn165Ser (NM_001143973.2, NM_001410982.1); short protein forms N165S.
Identifiers: ClinVar variation 3336413 (VCV003336413.1).